The following is an entry in ClinVar:

NM_003238.6(TGFB2):c.1186A>G (p.Lys396Glu)

Gene: TGFB2 (transforming growth factor beta 2; plus strand). Cytogenetic location: 1q41.
Variant type: single nucleotide variant.
Coding change: c.1186A>G on transcript NM_003238.6 (MANE Select); coding-DNA position 1186, A replaced by G.
Protein change: p.Lys396Glu; replaces lysine 396 with glutamic acid.
Molecular consequence: missense variant. On other transcripts: non-coding transcript variant (2).
Genome position (GRCh38, 1-based): chr1:218,441,303, A>G. VCF-style: chr1-218441303-A-G. GRCh37 (hg19) VCF-style: chr1-218614645-A-G.
Other names: c.1270A>G, p.Lys424Glu (NM_001135599.4); short protein forms K396E, K424E.
Identifiers: ClinVar variation 2581033 (VCV002581033.3), dbSNP rs751650226, ClinGen allele CA344727970.

ClinVar aggregate classification (germline): Uncertain significance. Review status: criteria provided, multiple submitters, no conflicts (2 of 4 stars). 2 submissions from 2 submitters: Uncertain significance (2). Last evaluated 2024-12-15.

Conditions:
Loeys-Dietz syndrome 4 (LDS4). Also called: ANEURYSM, AORTIC AND CEREBRAL, WITH ARTERIAL TORTUOSITY AND SKELETAL MANIFESTATIONS; TGFB2-Related Loeys-Dietz Syndrome. Identifiers: MedGen C3553762, MONDO:0013897, OMIM 614816.

Submissions (2):

Labcorp Genetics (formerly Invitae), Labcorp
Classification: Uncertain significance for Loeys-Dietz syndrome 4. Last evaluated: 2024-12-15. Review status: criteria provided, single submitter. Criteria: Invitae Variant Classification Sherloc (09022015). Collection method: clinical testing. Allele origin: germline.
Comment: This sequence change replaces lysine, which is basic and polar, with glutamic acid, which is acidic and polar, at codon 396 of the TGFB2 protein (p.Lys396Glu). This variant is not present in population databases (gnomAD no frequency). This variant has not been reported in the literature in individuals affected with TGFB2-related conditions. ClinVar contains an entry for this variant (Variation ID: 2581033). Invitae Evidence Modeling of protein sequence and biophysical properties (such as structural, functional, and spatial information, amino acid conservation, physicochemical variation, residue mobility, and thermodynamic stability) indicates that this missense variant is not expected to disrupt TGFB2 protein function with a negative predictive value of 80%. In summary, the available evidence is currently insufficient to determine the role of this variant in disease. Therefore, it has been classified as a Variant of Uncertain Significance.

Dr. med. U. Finckh, Human Genetics, Eurofins MVZ
Classification: Uncertain significance for Loeys-Dietz syndrome 4. Last evaluated: 2021-10-12. Review status: criteria provided, single submitter. Criteria: ACMG Guidelines, 2015. Collection method: clinical testing. Allele origin: unknown. Observed: 1 heterozygote.